The following is an entry in ClinVar:

ClinVar aggregate classification (germline): Benign (1 of 4 stars; one submission).

Conditions:
Neurofibromatosis, type 1 (NF1). Also called: VON RECKLINGHAUSEN DISEASE; NEUROFIBROMATOSIS, TYPE I, SOMATIC; Peripheral type neurofibromatosis; Neurofibromatosis, type I. Identifiers: Orphanet 636, MedGen C0027831, MONDO:0018975, OMIM 162200. Disease mechanism: loss of function.

gnomAD v4.1: 10 of 1,613,632 alleles (0.00062%); highest among the groups gnomAD compares: East Asian, 0.0022%; no homozygotes.

Submission:

Myriad Genetics, Inc.
Classification: Benign for Neurofibromatosis, type 1. Last evaluated: 2026-05-19. Review status: criteria provided, single submitter. Criteria: Myriad Autosomal Dominant, Autosomal Recessive and X-Linked Classification Criteria (2023). Collection method: clinical testing. Allele origin: unknown.
Comment: This variant is considered benign. This variant is a silent/synonymous amino acid change and it is not expected to impact splicing.

NM_001042492.3(NF1):c.4128A>G (p.Leu1376=)

Gene: NF1 (neurofibromin 1; plus strand). Cytogenetic location: 17q11.2.
Variant type: single nucleotide variant.
Coding change: c.4128A>G on transcript NM_001042492.3 (MANE Select); coding-DNA position 4128, A replaced by G.
Protein change: p.Leu1376=; no amino-acid change (leucine 1376 retained).
Molecular consequence: synonymous variant. On other transcripts: intron variant (1).
Genome position (GRCh38, 1-based): chr17:31,252,955, A>G. VCF-style: chr17-31252955-A-G. GRCh37 (hg19) VCF-style: chr17-29579973-A-G.
Other names: c.4110+3836A>G (NM_000267.4).
Identifiers: ClinVar variation 4876203 (VCV004876203.1).
Genomic context (GRCh38, chr17:31,252,955, plus strand): 5'-TAGTCGGTGCTGTGACTTGTTTGTGCTCATCTCTGTTCTGTAGGCAACTTGCCACTCCCT[A>G]CTGAATAAAGCTACAGTAAAAGAAAAAAAGGAAAACAAAAAATCAGTAAGTTTGGAGAAC-3'
Protein context (NP_001035957.1, residues 1366-1386): HCLYQATCHS[Leu1376=]LNKATVKEKK